The following is an entry in ClinVar:

NM_000492.4(CFTR):c.2959_2960dup (p.Pro988fs)

Genes: CFTR (CF transmembrane conductance regulator; plus strand), CFTR-AS2 (CFTR antisense RNA 2; minus strand). Cytogenetic location: 7q31.2.
Variant type: Duplication.
Coding change: c.2959_2960dup on transcript NM_000492.4 (MANE Select); coding-DNA positions 2959 to 2960, 2 bases duplicated (CT; older notation c.2959_2960dupCT).
Protein change: p.Pro988fs; shifts the reading frame from proline 988.
Molecular consequence: frameshift variant.
Genome position (GRCh38, 1-based): chr7:117,606,724-117,606,725, CT duplicated; duplicating any 2 consecutive bases within chr7:117,606,723-117,606,725 gives the same sequence; the c. name uses the placement nearest the transcript's 3' end. VCF-style (leftmost placement, unchanged base first): chr7-117606722-T-TTC. GRCh37 (hg19) VCF-style: chr7-117246776-T-TTC.
Other names: short protein forms P988fs.
Identifiers: ClinVar variation 1452452 (VCV001452452.6), dbSNP rs2116069700, ClinGen allele CA2573141584.

ClinVar aggregate classification (germline): Pathogenic (1 of 4 stars; one submission).

Conditions:
Cystic fibrosis (CF). Also called: MUCOVISCIDOSIS. Identifiers: Orphanet 586, MedGen C0010674, MONDO:0009061, OMIM 219700. Disease mechanism: loss of function.

Submission:

Labcorp Genetics (formerly Invitae), Labcorp
Classification: Pathogenic for Cystic fibrosis. Last evaluated: 2021-05-16. Review status: criteria provided, single submitter. Criteria: Invitae Variant Classification Sherloc (09022015). Collection method: clinical testing. Allele origin: germline.
Comment: This variant is not present in population databases (ExAC no frequency). This variant has not been reported in the literature in individuals with CFTR-related conditions. For these reasons, this variant has been classified as Pathogenic. This sequence change creates a premature translational stop signal (p.Pro988Cysfs*13) in the CFTR gene. It is expected to result in an absent or disrupted protein product. Loss-of-function variants in CFTR are known to be pathogenic (PMID: 1695717, 7691345, 9725922).

Literature cited by the submitters: PubMed 1695717; PubMed 7691345; PubMed 9725922.